The following is an entry in ClinVar:

NM_022051.3(EGLN1):c.166C>T (p.Leu56Phe)

Gene: EGLN1 (egl-9 family hypoxia inducible factor 1; minus strand). Cytogenetic location: 1q42.2.
Variant type: single nucleotide variant.
Coding change: c.166C>T on transcript NM_022051.3 (MANE Select); coding-DNA position 166, C replaced by T.
Protein change: p.Leu56Phe; replaces leucine 56 with phenylalanine.
Molecular consequence: missense variant.
Genome position (GRCh38, 1-based): chr1:231,421,723, G>A on the plus strand (C>T on the coding strand, the complement: EGLN1 is on the minus strand). VCF-style: chr1-231421723-G-A. GRCh37 (hg19) VCF-style: chr1-231557469-G-A.
Other names: c.166C>T, p.Leu56Phe (NM_001377260.1, NM_001377261.1); short protein forms L56F.
Identifiers: ClinVar variation 2560767 (VCV002560767.6), dbSNP rs758090254, ClinGen allele CA1453199.

ClinVar aggregate classification (germline): Uncertain significance. Review status: criteria provided, multiple submitters, no conflicts (2 of 4 stars). 3 submissions from 3 submitters: Uncertain significance (3). Last evaluated 2025-04-03.

Conditions:
Hemoglobin, high altitude adaptation (HALAH). Identifiers: MedGen C1836778, OMIM 609070.
Erythrocytosis, familial, 3 (ECYT3). Identifiers: Orphanet 247511, MedGen C1853286, MONDO:0012353, OMIM 609820.

gnomAD v4.1: 1 of 1,531,956 alleles (0.000065%); no homozygotes.

Submissions (3):

Ambry Genetics
Classification: Uncertain significance. Last evaluated: 2025-04-03. Review status: criteria provided, single submitter. Criteria: Ambry Variant Classification Scheme 2023. Collection method: clinical testing. Allele origin: germline.
Comment: The p.L56F variant (also known as c.166C>T), located in coding exon 1 of the EGLN1 gene, results from a C to T substitution at nucleotide position 166. The leucine at codon 56 is replaced by phenylalanine, an amino acid with highly similar properties. This amino acid position is conserved. In addition, this alteration is predicted to be tolerated by in silico analysis. Since supporting evidence is limited at this time, the clinical significance of this alteration remains unclear.

Labcorp Genetics (formerly Invitae), Labcorp
Classification: Uncertain significance for Erythrocytosis, familial, 3. Last evaluated: 2024-05-22. Review status: criteria provided, single submitter. Criteria: Invitae Variant Classification Sherloc (09022015). Collection method: clinical testing. Allele origin: germline.
Comment: This sequence change replaces leucine, which is neutral and non-polar, with phenylalanine, which is neutral and non-polar, at codon 56 of the EGLN1 protein (p.Leu56Phe). The frequency data for this variant in the population databases is considered unreliable, as metrics indicate poor data quality at this position in the gnomAD database. This variant has not been reported in the literature in individuals affected with EGLN1-related conditions. ClinVar contains an entry for this variant (Variation ID: 2560767). An algorithm developed to predict the effect of missense changes on protein structure and function (PolyPhen-2) suggests that this variant is likely to be disruptive. In summary, the available evidence is currently insufficient to determine the role of this variant in disease. Therefore, it has been classified as a Variant of Uncertain Significance.

Fulgent Genetics
Classification: Uncertain significance for Hemoglobin, high altitude adaptation; Erythrocytosis, familial, 3. Last evaluated: 2024-01-04. Review status: criteria provided, single submitter. Criteria: ACMG Guidelines, 2015. Collection method: clinical testing. Allele origin: germline.